The following is an entry in ClinVar:

NM_000051.4(ATM):c.1811del (p.Pro604fs)

Gene: ATM (ATM serine/threonine kinase; plus strand). Cytogenetic location: 11q22.3.
Variant type: Deletion.
Coding change: c.1811del on transcript NM_000051.4 (MANE Select); coding-DNA position 1811, one base deleted (C; older notation c.1811delC).
Protein change: p.Pro604fs; shifts the reading frame from proline 604.
Molecular consequence: frameshift variant.
Genome position (GRCh38, 1-based): chr11:108,252,825, C deleted; the last of 2 consecutive C bases (chr11:108,252,824-108,252,825); deleting either gives the same sequence. VCF-style (leftmost placement, unchanged base first): chr11-108252823-TC-T. GRCh37 (hg19) VCF-style: chr11-108123550-TC-T.
Other names: c.1811del, p.Pro604fs (NM_001351834.2); short protein forms P604fs.
Identifiers: ClinVar variation 1780598 (VCV001780598.2), dbSNP rs2497289150, ClinGen allele CA2580083802.

ClinVar aggregate classification (germline): Pathogenic (1 of 4 stars; one submission).

Conditions:
Hereditary cancer-predisposing syndrome. Also called: Neoplastic Syndromes, Hereditary; Tumor predisposition; Hereditary Cancer Syndrome; Hereditary neoplastic syndrome. Identifiers: Orphanet 140162, MedGen C0027672, MeSH D009386, MONDO:0015356.

Submission:

Ambry Genetics
Classification: Pathogenic for Hereditary cancer-predisposing syndrome. Last evaluated: 2022-06-27. Review status: criteria provided, single submitter. Criteria: Ambry Variant Classification Scheme 2023. Collection method: clinical testing. Allele origin: germline.
Comment: The c.1811delC pathogenic mutation, located in coding exon 11 of the ATM gene, results from a deletion of one nucleotide at nucleotide position 1811, causing a translational frameshift with a predicted alternate stop codon (p.P604Lfs*10). This variant is considered to be rare based on population cohorts in the Genome Aggregation Database (gnomAD). This alteration is expected to result in loss of function by premature protein truncation or nonsense-mediated mRNA decay. As such, this alteration is interpreted as a disease-causing mutation.